The following is an entry in ClinVar:

NM_001453.3(FOXC1):c.934A>G (p.Asn312Asp)

Gene: FOXC1 (forkhead box C1; plus strand). Cytogenetic location: 6p25.3.
Variant type: single nucleotide variant.
Coding change: c.934A>G on transcript NM_001453.3 (MANE Select); coding-DNA position 934, A replaced by G.
Protein change: p.Asn312Asp; replaces asparagine 312 with aspartic acid.
Molecular consequence: missense variant.
Genome position (GRCh38, 1-based): chr6:1,611,379, A>G. VCF-style: chr6-1611379-A-G. GRCh37 (hg19) VCF-style: chr6-1611614-A-G.
Other names: short protein forms N312D.
Identifiers: ClinVar variation 2144175 (VCV002144175.4), dbSNP rs1390518994, ClinGen allele CA362559883.
Genomic context (GRCh38, chr6:1,611,379, plus strand): 5'-CCGCCGCCGCCCGCGCCCTCCGCCCCGCCGCCGCACCATAGCCAGGGCTTCAGCGTGGAC[A>G]ACATCATGACGTCGCTGCGGGGGTCGCCGCAGAGCGCGGCCGCGGAGCTCAGCTCCGGCC-3'
Protein context (NP_001444.2, residues 302-322): PHHSQGFSVD[Asn312Asp]IMTSLRGSPQ

ClinVar aggregate classification (germline): Uncertain significance (1 of 4 stars; one submission).

Conditions:
Axenfeld-Rieger syndrome type 3 (RIEG3). Also called: AXENFELD-RIEGER ANOMALY WITH CARDIAC DEFECTS AND/OR SENSORINEURAL HEARING LOSS. Identifiers: Orphanet 782, MedGen C2678503, MONDO:0011233, OMIM 602482.

gnomAD v4.1: 2 of 1,448,756 alleles (0.00014%); no homozygotes.

Submission:

Labcorp Genetics (formerly Invitae), Labcorp
Classification: Uncertain significance for Axenfeld-Rieger syndrome type 3. Last evaluated: 2022-09-01. Review status: criteria provided, single submitter. Criteria: Invitae Variant Classification Sherloc (09022015). Collection method: clinical testing. Allele origin: germline.
Comment: In summary, the available evidence is currently insufficient to determine the role of this variant in disease. Therefore, it has been classified as a Variant of Uncertain Significance. Algorithms developed to predict the effect of missense changes on protein structure and function are either unavailable or do not agree on the potential impact of this missense change (SIFT: "Deleterious"; PolyPhen-2: "Possibly Damaging"; Align-GVGD: "Class C15"). This variant has not been reported in the literature in individuals affected with FOXC1-related conditions. The frequency data for this variant in the population databases is considered unreliable, as metrics indicate poor data quality at this position in the gnomAD database. This sequence change replaces asparagine, which is neutral and polar, with aspartic acid, which is acidic and polar, at codon 312 of the FOXC1 protein (p.Asn312Asp).